The following is an entry in ClinVar:

ClinVar aggregate classification (germline): Uncertain significance (1 of 4 stars; one submission).

Submission:

GeneDx
Classification: Uncertain significance. Last evaluated: 2024-01-29. Review status: criteria provided, single submitter. Criteria: GeneDx Variant Classification Process June 2021. Collection method: clinical testing. Allele origin: germline. Affected: yes.
Comment: Not observed at significant frequency in large population cohorts (gnomAD); In silico analysis supports that this missense variant has a deleterious effect on protein structure/function; Has not been previously published as pathogenic or benign to our knowledge

NM_001244008.2(KIF1A):c.4370G>T (p.Arg1457Leu)

Gene: KIF1A (kinesin family member 1A; minus strand). Cytogenetic location: 2q37.3.
Variant type: single nucleotide variant.
Coding change: c.4370G>T on transcript NM_001244008.2 (MANE Select); coding-DNA position 4370, G replaced by T.
Protein change: p.Arg1457Leu; replaces arginine 1457 with leucine.
Molecular consequence: missense variant.
Genome position (GRCh38, 1-based): chr2:240,723,507, C>A on the plus strand (G>T on the coding strand, the complement: KIF1A is on the minus strand). VCF-style: chr2-240723507-C-A. GRCh37 (hg19) VCF-style: chr2-241662924-C-A.
Other names: c.4094G>T, p.Arg1365Leu (NM_001320705.2, NM_001379649.1); c.4121G>T, p.Arg1374Leu (NM_001330289.2); c.4169G>T, p.Arg1390Leu (NM_001330290.2, NM_001379648.1); c.4445G>T, p.Arg1482Leu (NM_001379631.1); c.4346G>T, p.Arg1449Leu (NM_001379632.1); c.4343G>T, p.Arg1448Leu (NM_001379633.1, NM_001379645.1); c.4196G>T, p.Arg1399Leu (NM_001379634.1); c.4193G>T, p.Arg1398Leu (NM_001379635.1, NM_001379646.1); and 7 more; short protein forms R1355L, R1356L, R1364L, R1365L, R1373L, R1374L, R1381L, R1390L.
Identifiers: ClinVar variation 3368394 (VCV003368394.1).